The following is an entry in ClinVar:

ClinVar aggregate classification (germline): Uncertain significance (1 of 4 stars; one submission).

Conditions:
Hajdu-Cheney syndrome (HJCYS). Also called: ACROOSTEOLYSIS WITH OSTEOPOROSIS AND CHANGES IN SKULL AND MANDIBLE; SERPENTINE FIBULA-POLYCYSTIC KIDNEY SYNDROME; Acroosteolysis dominant type. Identifiers: Orphanet 955, MedGen C0917715, MONDO:0007057, OMIM 102500.

Submission:

Labcorp Genetics (formerly Invitae), Labcorp
Classification: Uncertain significance for Hajdu-Cheney syndrome. Last evaluated: 2023-10-05. Review status: criteria provided, single submitter. Criteria: Invitae Variant Classification Sherloc (09022015). Collection method: clinical testing. Allele origin: unknown.
Comment: This variant results in a copy number gain of the genomic region encompassing exon(s) 6-34 of the NOTCH2 gene. This region includes the termination codon of the gene. This copy number gain extends beyond the assayed region for this gene and therefore may encompass additional genes. As the precise location of this event is unknown, it may be in tandem or it may be located elsewhere in the genome. This variant has not been reported in the literature in individuals affected with NOTCH2-related conditions. Experimental studies and prediction algorithms are not available or were not evaluated, and the functional significance of this variant is currently unknown. In summary, the available evidence is currently insufficient to determine the role of this variant in disease. Therefore, it has been classified as a Variant of Uncertain Significance.

NC_000001.10:g.(?_120254646)_(120512387_?)dup

Genes: ADAM30 (ADAM metallopeptidase domain 30; minus strand), HMGCS2 (3-hydroxy-3-methylglutaryl-CoA synthase 2; minus strand), NOTCH2 (notch receptor 2; minus strand), PHGDH (phosphoglycerate dehydrogenase; plus strand), REG4 (regenerating family member 4; minus strand). Cytogenetic location: 1p12.
Variant type: Duplication.
Identifiers: ClinVar variation 3247716 (VCV003247716.1).